The following is an entry in ClinVar:

ClinVar aggregate classification (germline): Conflicting classifications of pathogenicity. Review status: criteria provided, conflicting classifications (1 of 4 stars). 5 submissions from 5 submitters: Uncertain significance (4); Likely benign (1). Last evaluated 2025-11-09.

Conditions:
Hereditary cancer-predisposing syndrome. Also called: Neoplastic Syndromes, Hereditary; Hereditary Cancer Syndrome; Hereditary neoplastic syndrome; Tumor predisposition. Identifiers: Orphanet 140162, MedGen C0027672, MeSH D009386, MONDO:0015356.
Gorlin syndrome. Also called: Nevoid Basal Cell Carcinoma Syndrome; Basal cell nevus syndrome. Identifiers: Orphanet 377, MedGen C0004779, MONDO:0007187.
Medulloblastoma (MDB). Also called: Medulloblastoma, somatic; MEDULLOBLASTOMA PREDISPOSITION SYNDROME. Identifiers: Orphanet 616, MedGen C0025149, MeSH D008527, MONDO:0007959, OMIM 155255, HP:0002885.
Familial meningioma. Also called: Meningioma, familial, susceptibility to. Identifiers: Orphanet 263662, MedGen C3551915, MONDO:0011789, OMIM 607174.

Allele frequency attached by ClinVar (database versions not stated): gnomAD 0.00001; TOPMed 0.00004; ExAC 0.00001.

Submissions (5):

Labcorp Genetics (formerly Invitae), Labcorp
Classification: Uncertain significance for Gorlin syndrome; Medulloblastoma. Last evaluated: 2025-11-09. Review status: criteria provided, single submitter. Criteria: Invitae Variant Classification Sherloc (09022015). Collection method: clinical testing. Allele origin: germline.
Comment: This sequence change replaces arginine, which is basic and polar, with tryptophan, which is neutral and slightly polar, at codon 280 of the SUFU protein (p.Arg280Trp). This variant is present in population databases (rs761003435, gnomAD 0.0008%). This variant has not been reported in the literature in individuals affected with SUFU-related conditions. ClinVar contains an entry for this variant (Variation ID: 574724). Invitae Evidence Modeling of protein sequence and biophysical properties (such as structural, functional, and spatial information, amino acid conservation, physicochemical variation, residue mobility, and thermodynamic stability) indicates that this missense variant is not expected to disrupt SUFU protein function with a negative predictive value of 80%. In summary, the available evidence is currently insufficient to determine the role of this variant in disease. Therefore, it has been classified as a Variant of Uncertain Significance.

Quest Diagnostics Nichols Institute San Juan Capistrano
Classification: Uncertain significance. Last evaluated: 2025-04-25. Review status: criteria provided, single submitter. Criteria: Quest Diagnostics criteria. Collection method: clinical testing. Allele origin: unknown.
Comment: The SUFU c.838C>T (p.Arg280Trp) variant has not been reported in individuals with SUFU-related conditions in the published literature. The frequency of this variant in the general population (Genome Aggregation Database) is uninformative in the assessment of its pathogenicity. Analysis of this variant using bioinformatics tools for the prediction of the effect of amino acid changes on protein structure and function yielded predictions that this variant is damaging. Based on the available information, we are unable to determine the clinical significance of this variant.

GeneDx
Classification: Uncertain significance. Last evaluated: 2024-01-31. Review status: criteria provided, single submitter. Criteria: GeneDx Variant Classification Process June 2021. Collection method: clinical testing. Allele origin: germline.
Comment: Not observed at significant frequency in large population cohorts (gnomAD); In silico analysis supports that this missense variant does not alter protein structure/function; Has not been previously published as pathogenic or benign to our knowledge; This variant is associated with the following publications: (PMID: 24311597)

Baylor Genetics
Classification: Uncertain significance for Familial meningioma. Last evaluated: 2023-06-29. Review status: criteria provided, single submitter. Criteria: ACMG Guidelines, 2015. Collection method: clinical testing. Allele origin: unknown.

Ambry Genetics
Classification: Likely benign for Hereditary cancer-predisposing syndrome. Last evaluated: 2023-05-11. Review status: criteria provided, single submitter. Criteria: Ambry Variant Classification Scheme 2023. Collection method: clinical testing. Allele origin: germline.

NM_016169.4(SUFU):c.838C>T (p.Arg280Trp)

Gene: SUFU (SUFU negative regulator of hedgehog signaling; plus strand). Cytogenetic location: 10q24.32.
Variant type: single nucleotide variant.
Coding change: c.838C>T on transcript NM_016169.4 (MANE Select); coding-DNA position 838, C replaced by T.
Protein change: p.Arg280Trp; replaces arginine 280 with tryptophan.
Molecular consequence: missense variant.
Genome position (GRCh38, 1-based): chr10:102,597,221, C>T. VCF-style: chr10-102597221-C-T. GRCh37 (hg19) VCF-style: chr10-104356978-C-T.
Other names: c.838C>T, p.Arg280Trp (NM_001178133.2); short protein forms R280W.
Identifiers: ClinVar variation 574724 (VCV000574724.15), dbSNP rs761003435, ClinGen allele CA5667780.